The following is an entry in ClinVar:

ClinVar aggregate classification (germline): Uncertain significance. Review status: criteria provided, multiple submitters, no conflicts (2 of 4 stars). 2 submissions from 2 submitters: Uncertain significance (2). Last evaluated 2024-11-12.

Allele frequency attached by ClinVar (database versions not stated): ExAC 0.00001.
gnomAD v4.1: 23 of 1,613,942 alleles (0.0014%); highest among the groups gnomAD compares: African/African-American, 0.017%; no homozygotes.

Submissions (2):

Blueprint Genetics
Classification: Uncertain significance. Last evaluated: 2024-11-12. Review status: criteria provided, single submitter. Criteria: ACMG Guidelines, 2015. Collection method: clinical testing. Allele origin: germline.

Labcorp Genetics (formerly Invitae), Labcorp
Classification: Uncertain significance. Last evaluated: 2022-12-17. Review status: criteria provided, single submitter. Criteria: Invitae Variant Classification Sherloc (09022015). Collection method: clinical testing. Allele origin: germline.
Comment: This sequence change replaces proline, which is neutral and non-polar, with leucine, which is neutral and non-polar, at codon 3097 of the VCAN protein (p.Pro3097Leu). This variant is present in population databases (rs753596478, gnomAD 0.008%). This variant has not been reported in the literature in individuals affected with VCAN-related conditions. Algorithms developed to predict the effect of missense changes on protein structure and function (SIFT, PolyPhen-2, Align-GVGD) all suggest that this variant is likely to be disruptive. In summary, the available evidence is currently insufficient to determine the role of this variant in disease. Therefore, it has been classified as a Variant of Uncertain Significance.

NM_004385.5(VCAN):c.9290C>T (p.Pro3097Leu)

Genes: VCAN (versican; plus strand), VCAN-AS1 (VCAN antisense RNA 1; minus strand). Cytogenetic location: 5q14.3.
Variant type: single nucleotide variant.
Coding change: c.9290C>T on transcript NM_004385.5 (MANE Select); coding-DNA position 9290, C replaced by T.
Protein change: p.Pro3097Leu; replaces proline 3097 with leucine.
Molecular consequence: missense variant.
Genome position (GRCh38, 1-based): chr5:83,545,561, C>T. VCF-style: chr5-83545561-C-T. GRCh37 (hg19) VCF-style: chr5-82841380-C-T.
Other names: c.1067C>T, p.Pro356Leu (NM_001126336.3); c.6329C>T, p.Pro2110Leu (NM_001164097.2); c.4028C>T, p.Pro1343Leu (NM_001164098.2); short protein forms P1343L, P2110L, P3097L, P356L.
Identifiers: ClinVar variation 1908457 (VCV001908457.6), dbSNP rs753596478, ClinGen allele CA3333963.
Genomic context (GRCh38, chr5:83,545,561, plus strand): 5'-GCCTAACTGCTTTTCTTACTTTCCTGAATATGGTAGGACCTGATCGCTGCAAAATGAACC[C>T]GTGCCTTAACGGAGGCACCTGTTATCCTACTGAAACTTCCTACGTATGCACCTGTGTGCC-3'
Protein context (NP_004376.2, residues 3087-3107): LPGPDRCKMN[Pro3097Leu]CLNGGTCYPT